The following is an entry in ClinVar:

NM_000082.4(ERCC8):c.509T>C (p.Leu170Pro)

Gene: ERCC8 (ERCC excision repair 8, CSA ubiquitin ligase complex subunit; minus strand). Cytogenetic location: 5q12.1.
Variant type: single nucleotide variant.
Coding change: c.509T>C on transcript NM_000082.4 (MANE Select); coding-DNA position 509, T replaced by C.
Protein change: p.Leu170Pro; replaces leucine 170 with proline.
Molecular consequence: missense variant.
Genome position (GRCh38, 1-based): chr5:60,903,689, A>G on the plus strand (T>C on the coding strand, the complement: ERCC8 is on the minus strand). VCF-style: chr5-60903689-A-G. GRCh37 (hg19) VCF-style: chr5-60199516-A-G.
Other names: c.335T>C, p.Leu112Pro (NM_001007233.3); c.509T>C, p.Leu170Pro (NM_001007234.3); c.50T>C, p.Leu17Pro (NM_001290285.2); short protein forms L17P, L170P, L112P.
Identifiers: ClinVar variation 1515493 (VCV001515493.8), dbSNP rs145610983, ClinGen allele CA3277825.

ClinVar aggregate classification (germline): Uncertain significance (1 of 4 stars; one submission).

Allele frequency attached by ClinVar (database versions not stated): gnomAD exomes below 0.00001 and 0.00001; TOPMed 0.00001; ExAC 0.00002; ESP Exome Variant Server 0.00008.
gnomAD v4.1: 6 of 1,612,872 alleles (0.00037%); highest among the groups gnomAD compares: Admixed American, 0.005%; no homozygotes.

Submission:

Labcorp Genetics (formerly Invitae), Labcorp
Classification: Uncertain significance. Last evaluated: 2021-08-03. Review status: criteria provided, single submitter. Criteria: Invitae Variant Classification Sherloc (09022015). Collection method: clinical testing. Allele origin: germline.
Comment: This sequence change replaces leucine with proline at codon 170 of the ERCC8 protein (p.Leu170Pro). The leucine residue is highly conserved and there is a moderate physicochemical difference between leucine and proline. This variant is present in population databases (rs145610983, ExAC 0.01%). This variant has not been reported in the literature in individuals affected with ERCC8-related conditions. Algorithms developed to predict the effect of missense changes on protein structure and function are either unavailable or do not agree on the potential impact of this missense change (SIFT: "Deleterious"; PolyPhen-2: "Probably Damaging"; Align-GVGD: "Class C0"). In summary, the available evidence is currently insufficient to determine the role of this variant in disease. Therefore, it has been classified as a Variant of Uncertain Significance.